The following is an entry in ClinVar:

ClinVar aggregate classification (germline): Likely benign. Review status: criteria provided, multiple submitters, no conflicts (2 of 4 stars). 4 submissions from 4 submitters: Likely benign (4). Last evaluated 2023-07-01.

Allele frequency attached by ClinVar (database versions not stated): ExAC 0.00029; gnomAD exomes 0.00029 and 0.00048; ESP Exome Variant Server 0.00031; TOPMed 0.00038; gnomAD 0.00040 and 0.00041.
gnomAD v4.1: 754 of 1,614,118 alleles (0.047%); highest among the groups gnomAD compares: Non-Finnish European, 0.06%; 1 homozygote.

Submissions (4):

CeGaT Center for Human Genetics Tuebingen
Classification: Likely benign. Last evaluated: 2023-07-01. Review status: criteria provided, single submitter. Criteria: CeGaT Center For Human Genetics Tuebingen Variant Classification Criteria Version 2. Collection method: clinical testing. Allele origin: germline. Affected: yes. Observed: 2 variant alleles.
Comment: ZC3H14: BP4, BP7

Labcorp Genetics (formerly Invitae), Labcorp
Classification: Likely benign. Last evaluated: 2019-12-31. Review status: criteria provided, single submitter. Criteria: Invitae Variant Classification Sherloc (09022015). Collection method: clinical testing. Allele origin: germline.

Genetic Services Laboratory, University of Chicago
Classification: Likely benign. Last evaluated: 2015-11-09. Review status: criteria provided, single submitter. Criteria: ACMG Guidelines, 2015. Collection method: clinical testing. Allele origin: germline. Affected: no.

Breakthrough Genomics
Classification: Likely benign. Review status: criteria provided, single submitter. Criteria: ACMG Guidelines, 2015. Collection method: not provided. Allele origin: germline. Inheritance: Autosomal recessive inheritance. Affected: yes.

NM_024824.5(ZC3H14):c.48G>A (p.Lys16=)

Gene: ZC3H14 (zinc finger CCCH-type containing 14; plus strand). Cytogenetic location: 14q31.3.
Variant type: single nucleotide variant.
Coding change: c.48G>A on transcript NM_024824.5 (MANE Select); coding-DNA position 48, G replaced by A.
Protein change: p.Lys16=; no amino-acid change (lysine 16 retained).
Molecular consequence: synonymous variant. On other transcripts: 5 prime UTR variant (14), non-coding transcript variant (1).
Genome position (GRCh38, 1-based): chr14:88,563,662, G>A. VCF-style: chr14-88563662-G-A. GRCh37 (hg19) VCF-style: chr14-89030006-G-A.
Other names: c.48G>A, p.Lys16= (NM_001160103.2, NM_001160104.2, NM_001326295.2 and 9 more transcripts); c.-236G>A (NM_001326297.2, NM_001326301.2, NM_001326303.2 and 1 more transcripts); c.-303G>A (NM_001326300.2, NM_001326302.2, NM_001326304.2 and 5 more transcripts); c.-55G>A (NM_001326316.2, NM_207661.3).
Identifiers: ClinVar variation 212625 (VCV000212625.35), dbSNP rs199820387, ClinGen allele CA205720.
Genomic context (GRCh38, chr14:88,563,662, plus strand): 5'-TTTCCTAGAGCCGCCTTTCTCACATGCACGTTTGCTCTTTTTCTCTCAGAGTGCCATTAA[G>A]GGGAAATTACAAGAATTAGGAGCTTATGTTGGTAAGTGTTTTTTTGGTTGTTAGTCTTAC-3'
Protein context (NP_079100.2, residues 6-26): EISRKIRSAI[Lys16=]GKLQELGAYV